The following is an entry in ClinVar:

NM_000059.4(BRCA2):c.9392C>G (p.Ser3131Cys)

Gene: BRCA2 (BRCA2 DNA repair associated; plus strand). Cytogenetic location: 13q13.1.
Variant type: single nucleotide variant.
Coding change: c.9392C>G on transcript NM_000059.4 (MANE Select); coding-DNA position 9392, C replaced by G.
Protein change: p.Ser3131Cys; replaces serine 3131 with cysteine.
Molecular consequence: missense variant. On other transcripts: non-coding transcript variant (1).
Genome position (GRCh38, 1-based): chr13:32,394,824, C>G. VCF-style: chr13-32394824-C-G. GRCh37 (hg19) VCF-style: chr13-32968961-C-G.
Other names: c.9296C>G, p.Ser3099Cys (NM_001406719.1); c.9341C>G, p.Ser3114Cys (NM_001406720.1); c.4460C>G, p.Ser1487Cys (NM_001406721.1); c.2975C>G, p.Ser992Cys (NM_001406722.1); c.9392C>G, p.Ser3131Cys (NM_001432077.1); short protein forms S1487C, S992C, S3131C, S3099C, S3114C.
Identifiers: ClinVar variation 4215772 (VCV004215772.1).

ClinVar aggregate classification (germline): Uncertain significance (1 of 4 stars; one submission).

Conditions:
Hereditary cancer-predisposing syndrome. Also called: Hereditary Cancer Syndrome; Hereditary neoplastic syndrome; Neoplastic Syndromes, Hereditary; Tumor predisposition. Identifiers: Orphanet 140162, MedGen C0027672, MeSH D009386, MONDO:0015356.

Submission:

Ambry Genetics
Classification: Uncertain significance for Hereditary cancer-predisposing syndrome. Last evaluated: 2025-06-24. Review status: criteria provided, single submitter. Criteria: Ambry Variant Classification Scheme 2023. Collection method: clinical testing. Allele origin: germline.
Comment: The p.S3131C variant (also known as c.9392C>G), located in coding exon 24 of the BRCA2 gene, results from a C to G substitution at nucleotide position 9392. The serine at codon 3131 is replaced by cysteine, an amino acid with dissimilar properties. This amino acid position is conserved. In addition, the in silico prediction for this alteration is inconclusive. Based on the available evidence, the clinical significance of this variant remains unclear.